The following is an entry in ClinVar:

ClinVar aggregate classification (germline): Conflicting classifications of pathogenicity. Review status: criteria provided, conflicting classifications (1 of 4 stars). 6 submissions from 6 submitters: Uncertain significance (1); Likely benign (4). 1 of the submissions does not count toward it. Last evaluated 2024-11-21.

Conditions:
Inborn genetic diseases. Identifiers: MedGen C0950123, MeSH D030342.
WDR81-related disorder. Also called: WDR81-related condition.

Allele frequency attached by ClinVar (database versions not stated): gnomAD exomes 0.00063 and 0.00028; ExAC 0.00070; 1000 Genomes Project 0.00140; 1000 Genomes Project 30x 0.00141; gnomAD 0.00192 and 0.00203; ESP Exome Variant Server 0.00208; TOPMed 0.00229.
gnomAD v4.1: 725 of 1,612,794 alleles (0.045%); highest among the groups gnomAD compares: African/African-American, 0.6%; 4 homozygotes.

Submissions (6):

Blueprint Genetics
Classification: Likely benign. Last evaluated: 2024-11-21. Review status: criteria provided, single submitter. Criteria: ACMG Guidelines, 2015. Collection method: clinical testing. Allele origin: germline.

Ambry Genetics
Classification: Likely benign for Inborn genetic diseases. Last evaluated: 2021-07-09. Review status: criteria provided, single submitter. Criteria: Ambry Variant Classification Scheme 2023. Collection method: clinical testing. Allele origin: germline.

Labcorp Genetics (formerly Invitae), Labcorp
Classification: Likely benign. Last evaluated: 2019-12-31. Review status: criteria provided, single submitter. Criteria: Invitae Variant Classification Sherloc (09022015). Collection method: clinical testing. Allele origin: germline.

GeneDx
Classification: Likely benign. Last evaluated: 2018-05-15. Review status: criteria provided, single submitter. Criteria: GeneDx Variant Classification (06012015). Collection method: clinical testing. Allele origin: germline. Affected: yes.
Comment: This variant is considered likely benign or benign based on one or more of the following criteria: it is a conservative change, it occurs at a poorly conserved position in the protein, it is predicted to be benign by multiple in silico algorithms, and/or has population frequency not consistent with disease.

CeGaT Center for Human Genetics Tuebingen
Classification: Uncertain significance. Last evaluated: 2017-07-01. Review status: criteria provided, single submitter. Criteria: CeGaT Center For Human Genetics Tuebingen Variant Classification Criteria Version 2. Collection method: clinical testing. Allele origin: germline. Affected: yes. Observed: 1 variant allele.

PreventionGenetics, part of Exact Sciences
Classification: Likely benign for WDR81-related condition. Last evaluated: 2019-07-16. Review status: no assertion criteria provided. Collection method: clinical testing. Allele origin: germline. Not counted in ClinVar's aggregate classification.
Comment: This variant is classified as likely benign based on ACMG/AMP sequence variant interpretation guidelines (Richards et al. 2015 PMID: 25741868, with internal and published modifications).

NM_001163809.2(WDR81):c.5231C>T (p.Ala1744Val)

Gene: WDR81 (WD repeat domain 81; plus strand). Cytogenetic location: 17p13.3.
Variant type: single nucleotide variant.
Coding change: c.5231C>T on transcript NM_001163809.2 (MANE Select); coding-DNA position 5231, C replaced by T.
Protein change: p.Ala1744Val; replaces alanine 1744 with valine.
Molecular consequence: missense variant.
Genome position (GRCh38, 1-based): chr17:1,735,623, C>T. VCF-style: chr17-1735623-C-T. GRCh37 (hg19) VCF-style: chr17-1638917-C-T.
Other names: c.1622C>T, p.Ala541Val (NM_001163673.2); c.1550C>T, p.Ala517Val (NM_001163811.2); c.2078C>T, p.Ala693Val (NM_152348.4); short protein forms A541V, A693V, A1744V, A517V.
Identifiers: ClinVar variation 493203 (VCV000493203.52), dbSNP rs137952560, ClinGen allele CA8273805.